The following is an entry in ClinVar:

ClinVar aggregate classification (germline): Pathogenic (1 of 4 stars; one submission).

Submission:

Labcorp Genetics (formerly Invitae), Labcorp
Classification: Pathogenic. Last evaluated: 2023-11-02. Review status: criteria provided, single submitter. Criteria: Invitae Variant Classification Sherloc (09022015). Collection method: clinical testing. Allele origin: germline.
Comment: This sequence change creates a premature translational stop signal (p.Cys1322*) in the ABCC2 gene. It is expected to result in an absent or disrupted protein product. Loss-of-function variants in ABCC2 are known to be pathogenic (PMID: 9185779, 16549534, 16952291). This variant is not present in population databases (gnomAD no frequency). This variant has not been reported in the literature in individuals affected with ABCC2-related conditions. For these reasons, this variant has been classified as Pathogenic.

Literature cited by the submitters: PubMed 9185779; PubMed 16549534; PubMed 16952291.

NM_000392.5(ABCC2):c.3966T>A (p.Cys1322Ter)

Gene: ABCC2 (ATP binding cassette subfamily C member 2; plus strand). Cytogenetic location: 10q24.2.
Variant type: single nucleotide variant.
Coding change: c.3966T>A on transcript NM_000392.5 (MANE Select); coding-DNA position 3966, T replaced by A.
Protein change: p.Cys1322Ter; replaces cysteine 1322 with a stop codon.
Molecular consequence: nonsense.
Genome position (GRCh38, 1-based): chr10:99,844,444, T>A. VCF-style: chr10-99844444-T-A. GRCh37 (hg19) VCF-style: chr10-101604201-T-A.
Other names: short protein forms C1322*.
Identifiers: ClinVar variation 2692777 (VCV002692777.3), dbSNP rs2493048370, ClinGen allele CA378127550.